The following is an entry in ClinVar:

NM_206933.4(USH2A):c.8190T>A (p.Pro2730=)

Gene: USH2A (usherin; minus strand). Cytogenetic location: 1q41.
Variant type: single nucleotide variant.
Coding change: c.8190T>A on transcript NM_206933.4 (MANE Select); coding-DNA position 8190, T replaced by A.
Protein change: p.Pro2730=; no amino-acid change (proline 2730 retained).
Molecular consequence: synonymous variant.
Genome position (GRCh38, 1-based): chr1:215,888,459, A>T on the plus strand (T>A on the coding strand, the complement: USH2A is on the minus strand). VCF-style: chr1-215888459-A-T. GRCh37 (hg19) VCF-style: chr1-216061801-A-T.
Identifiers: ClinVar variation 507154 (VCV000507154.1), dbSNP rs1553273294, ClinGen allele CA423430421.

ClinVar aggregate classification (germline): Likely benign (1 of 4 stars; one submission).

Allele frequency attached by ClinVar (database versions not stated): gnomAD exomes 0.00001.
gnomAD v4.1: 10 of 1,613,736 alleles (0.00062%); highest among the groups gnomAD compares: Non-Finnish European, 0.00085%; no homozygotes.

Submission:

GeneDx
Classification: Likely benign. Last evaluated: 2017-02-15. Review status: criteria provided, single submitter. Criteria: GeneDx Variant Classification (06012015). Collection method: clinical testing. Allele origin: germline. Affected: yes.
Comment: This variant is considered likely benign or benign based on one or more of the following criteria: it is a conservative change, it occurs at a poorly conserved position in the protein, it is predicted to be benign by multiple in silico algorithms, and/or has population frequency not consistent with disease.